The following is an entry in ClinVar:

ClinVar aggregate classification (germline): Pathogenic (1 of 4 stars; one submission).

Submission:

Labcorp Genetics (formerly Invitae), Labcorp
Classification: Pathogenic. Last evaluated: 2022-12-30. Review status: criteria provided, single submitter. Criteria: Invitae Variant Classification Sherloc (09022015). Collection method: clinical testing. Allele origin: germline.
Comment: This variant has not been reported in the literature in individuals affected with DNAH9-related conditions. For these reasons, this variant has been classified as Pathogenic. Algorithms developed to predict the effect of sequence changes on RNA splicing suggest that this variant may create or strengthen a splice site. This sequence change creates a premature translational stop signal (p.Ile2626Tyrfs*85) in the DNAH9 gene. It is expected to result in an absent or disrupted protein product. Loss-of-function variants in DNAH9 are known to be pathogenic (PMID: 30471718). This variant is not present in population databases (gnomAD no frequency).

Literature cited by the submitters: PubMed 30471718.

NM_001372.4(DNAH9):c.7875dup (p.Ile2626fs)

Gene: DNAH9 (dynein axonemal heavy chain 9; plus strand). Cytogenetic location: 17p12.
Variant type: Duplication.
Coding change: c.7875dup on transcript NM_001372.4 (MANE Select); coding-DNA position 7875, one base duplicated (T; older notation c.7875dupT).
Protein change: p.Ile2626fs; shifts the reading frame from isoleucine 2626.
Molecular consequence: frameshift variant.
Genome position (GRCh38, 1-based): chr17:11,784,353, T duplicated. VCF-style (leftmost placement, unchanged base first): chr17-11784352-C-CT. GRCh37 (hg19) VCF-style: chr17-11687669-C-CT.
Other names: short protein forms I2626fs.
Identifiers: ClinVar variation 2825112 (VCV002825112.3), dbSNP rs1380800547, ClinGen allele CA2739267152.
Genomic context (GRCh38, chr17:11,784,352, plus strand): 5'-CTGTACAGCGTCACTTCAGCGTGTTTGTCCTCTCCTTCCCGGGGGCAGATGCCCTGTCCT[C>CT]TATCTACAGCATCATCCTCACTCAGCATCTGAAGCTCGGAAACTTCCCGGCGTCCCTGCA-3'